The following is an entry in ClinVar:

ClinVar aggregate classification (germline): Conflicting classifications of pathogenicity. Review status: criteria provided, conflicting classifications (1 of 4 stars). 7 submissions from 7 submitters: Uncertain significance (5); Likely benign (1). 1 of the submissions does not count toward it. Last evaluated 2026-02-02.

Conditions:
Becker muscular dystrophy (BMD). Also called: MUSCULAR DYSTROPHY, PSEUDOHYPERTROPHIC PROGRESSIVE, BECKER TYPE; Becker Muscular Dystrophy (BMD). Identifiers: Orphanet 98895, MedGen C0917713, MONDO:0010311, OMIM 300376.
Dilated cardiomyopathy 3B (CMD3B). Also called: CMD3B: DMD-Related Dilated Cardiomyopathy; CARDIOMYOPATHY, DILATED, X-LINKED; DMD-Associated Dilated Cardiomyopathy. Identifiers: Orphanet 154, MedGen C3668940, MONDO:0010542, OMIM 302045.
Duchenne muscular dystrophy (DMD). Also called: MUSCULAR DYSTROPHY, PSEUDOHYPERTROPHIC PROGRESSIVE, DUCHENNE TYPE; Duchenne Muscular Dystrophy (DMD). Identifiers: Orphanet 98896, MedGen C0013264, MONDO:0010679, OMIM 310200.
Cardiovascular phenotype. Identifiers: MedGen CN230736.
Cardiomyopathy (CMYO). Also called: Cardiomyopathies. Identifiers: Orphanet 167848, MedGen C0878544, MONDO:0004994, HP:0001638. Inheritance: Various modes of inheritance.
Dystrophin deficiency.

Allele frequency attached by ClinVar (database versions not stated): gnomAD 0.00002; TOPMed 0.00002.
gnomAD v4.1: 19 of 1,198,740 alleles (0.0016%); highest among the groups gnomAD compares: Non-Finnish European, 0.0021%; no homozygotes.

Submissions (7):

Labcorp Genetics (formerly Invitae), Labcorp
Classification: Likely benign for Duchenne muscular dystrophy. Last evaluated: 2026-02-02. Review status: criteria provided, single submitter. Criteria: Invitae Variant Classification Sherloc (09022015). Collection method: clinical testing. Allele origin: germline.

Ambry Genetics
Classification: Uncertain significance for Cardiovascular phenotype. Last evaluated: 2022-11-04. Review status: criteria provided, single submitter. Criteria: Ambry Variant Classification Scheme 2023. Collection method: clinical testing. Allele origin: germline.
Comment: The p.H512Q variant (also known as c.1536C>A), located in coding exon 13 of the DMD gene, results from a C to A substitution at nucleotide position 1536. The histidine at codon 512 is replaced by glutamine, an amino acid with highly similar properties. This alteration was reported in a pediatric DCM cohort that underwent whole exome sequencing (Herkert JC et al. Genet Med, 2018 11;20:1374-1386). Based on data from gnomAD, the A allele has an overall frequency of <0.01% (5/205248) total alleles studied, with 1 hemizygote observed. The highest observed frequency was <0.01% (5/92670) of European (non-Finnish) alleles. This amino acid position is highly conserved in available vertebrate species. In addition, this alteration is predicted to be tolerated by in silico analysis. Since supporting evidence is limited at this time, the clinical significance of this alteration remains unclear.

Fulgent Genetics
Classification: Uncertain significance for Becker muscular dystrophy; Dilated cardiomyopathy 3B; Duchenne muscular dystrophy. Last evaluated: 2021-07-16. Review status: criteria provided, single submitter. Criteria: ACMG Guidelines, 2015. Collection method: clinical testing. Allele origin: unknown.

ARUP Laboratories, Molecular Genetics and Genomics, ARUP Laboratories
Classification: Uncertain significance. Last evaluated: 2020-12-11. Review status: criteria provided, single submitter. Criteria: ARUP Molecular Germline Variant Investigation Process 2021. Collection method: clinical testing. Allele origin: germline.
Comment: The DMD c.1536C>A; p.His512Gln variant (rs776446238), to our knowledge, is not reported in the medical literature but is reported in ClinVar (Variation ID: 500301). This variant is found on only five chromsomes (5/ 205248 alleles, including one hemizygote) in the Genome Aggregation Database. The histidine at codon 512 is highly conserved, but computational analyses are uncertain whether this variant is neutral or deleterious (REVEL: 0.196). Due to limited information, the clinical significance of the p.His512Gln variant is uncertain at this time.

Revvity Omics, Revvity
Classification: Uncertain significance. Last evaluated: 2019-12-10. Review status: criteria provided, single submitter. Criteria: ACMG Guidelines, 2015. Collection method: clinical testing. Allele origin: germline.

Eurofins Ntd Llc (ga)
Classification: Uncertain significance. Last evaluated: 2017-02-03. Review status: criteria provided, single submitter. Criteria: EGL Classification Definitions 2015. Collection method: clinical testing. Allele origin: germline. Observed: 1 variant allele, 1 heterozygote.

Natera, Inc.
Classification: Uncertain significance for Becker muscular dystrophy; Cardiomyopathy; Duchenne muscular dystrophy; Dystrophin deficiency. Last evaluated: 2018-09-12. Review status: no assertion criteria provided. Collection method: clinical testing. Allele origin: germline. Not counted in ClinVar's aggregate classification.

Literature cited by the submitters: PubMed 29517769 (cited by Ambry Genetics).

NM_004006.3(DMD):c.1536C>A (p.His512Gln)

Gene: DMD (dystrophin; minus strand). Cytogenetic location: Xp21.1.
Variant type: single nucleotide variant.
Coding change: c.1536C>A on transcript NM_004006.3 (MANE Select); coding-DNA position 1536, C replaced by A.
Protein change: p.His512Gln; replaces histidine 512 with glutamine.
Molecular consequence: missense variant.
Genome position (GRCh38, 1-based): chrX:32,595,823, G>T on the plus strand (C>A on the coding strand, the complement: DMD is on the minus strand). VCF-style: chrX-32595823-G-T. GRCh37 (hg19) VCF-style: chrX-32613940-G-T.
Other names: c.1512C>A, p.His504Gln (NM_000109.4); c.1524C>A, p.His508Gln (NM_004009.3); c.1167C>A, p.His389Gln (NM_004010.3); short protein forms H512Q, H389Q, H508Q, H504Q.
Identifiers: ClinVar variation 500301 (VCV000500301.24), dbSNP rs776446238, ClinGen allele CA10379826.